The following is an entry in ClinVar:

NM_004924.6(ACTN4):c.928C>T (p.Arg310Trp)

Gene: ACTN4 (actinin alpha 4; plus strand). Cytogenetic location: 19q13.2.
Variant type: single nucleotide variant.
Coding change: c.928C>T on transcript NM_004924.6 (MANE Select); coding-DNA position 928, C replaced by T.
Protein change: p.Arg310Trp; replaces arginine 310 with tryptophan.
Molecular consequence: missense variant.
Genome position (GRCh38, 1-based): chr19:38,717,101, C>T. VCF-style: chr19-38717101-C-T. GRCh37 (hg19) VCF-style: chr19-39207741-C-T.
Other names: c.928C>T, p.Arg310Trp (NM_001322033.2); short protein forms R310W.
Identifiers: ClinVar variation 915866 (VCV000915866.2), dbSNP rs756003995, ClinGen allele CA9417494.

ClinVar aggregate classification (germline): Uncertain significance. Review status: criteria provided, multiple submitters, no conflicts (2 of 4 stars). 2 submissions from 2 submitters: Uncertain significance (2). Last evaluated 2022-05-10.

Conditions:
Focal segmental glomerulosclerosis 1 (FSGS1). Identifiers: Orphanet 656, MedGen C4551527, MONDO:0011303, OMIM 603278.
Chronic kidney disease. Identifiers: MedGen C1561643, MONDO:0005300, HP:0012622.

Allele frequency attached by ClinVar (database versions not stated): ExAC 0.00003; gnomAD exomes 0.00004; gnomAD 0.00009 and 0.00010; TOPMed 0.00009.
gnomAD v4.1: 80 of 1,613,464 alleles (0.005%); highest among the groups gnomAD compares: African/African-American, 0.023%; no homozygotes.

Submissions (2):

Fulgent Genetics
Classification: Uncertain significance for Focal segmental glomerulosclerosis 1. Last evaluated: 2022-05-10. Review status: criteria provided, single submitter. Criteria: ACMG Guidelines, 2015. Collection method: clinical testing. Allele origin: unknown.

Cavalleri Lab, Royal College of Surgeons in Ireland
Classification: Uncertain significance for Chronic kidney disease. Last evaluated: 2020-05-28. Review status: criteria provided, single submitter. Criteria: ACMG Guidelines, 2015. Collection method: research. Allele origin: unknown. Inheritance: Autosomal dominant inheritance. Affected: yes.
Comment: PP2, PP3